The following is an entry in ClinVar:

NM_014339.7(IL17RA):c.64C>T (p.Leu22Phe)

Gene: IL17RA (interleukin 17 receptor A; plus strand). Cytogenetic location: 22q11.1.
Variant type: single nucleotide variant.
Coding change: c.64C>T on transcript NM_014339.7 (MANE Select); coding-DNA position 64, C replaced by T.
Protein change: p.Leu22Phe; replaces leucine 22 with phenylalanine.
Molecular consequence: missense variant.
Genome position (GRCh38, 1-based): chr22:17,085,155, C>T. VCF-style: chr22-17085155-C-T. GRCh37 (hg19) VCF-style: chr22-17566045-C-T.
Other names: c.64C>T, p.Leu22Phe (NM_001289905.2); c.64C>T (NM_014339.5); short protein forms L22F.
Identifiers: ClinVar variation 1358265 (VCV001358265.9), dbSNP rs539782982, ClinGen allele CA321139749.

ClinVar aggregate classification (germline): Uncertain significance. Review status: criteria provided, multiple submitters, no conflicts (2 of 4 stars). 2 submissions from 2 submitters: Uncertain significance (2). Last evaluated 2024-04-08.

Conditions:
Immunodeficiency 51 (IMD51). Also called: CANDIDIASIS, FAMILIAL, 5. Identifiers: Orphanet 1334, MedGen C4310803, MONDO:0013500, OMIM 613953.

Allele frequency attached by ClinVar (database versions not stated): gnomAD exomes 0.00001 and 0.00004; gnomAD 0.00003 and 0.00005; TOPMed 0.00003; 1000 Genomes Project 0.00020; 1000 Genomes Project 30x 0.00047.
gnomAD v4.1: 17 of 1,520,254 alleles (0.0011%); highest among the groups gnomAD compares: East Asian, 0.034%; no homozygotes.

Submissions (2):

Ambry Genetics
Classification: Uncertain significance. Last evaluated: 2024-04-08. Review status: criteria provided, single submitter. Criteria: Ambry Variant Classification Scheme 2023. Collection method: clinical testing. Allele origin: germline.

Labcorp Genetics (formerly Invitae), Labcorp
Classification: Uncertain significance for Immunodeficiency 51. Last evaluated: 2022-08-31. Review status: criteria provided, single submitter. Criteria: Invitae Variant Classification Sherloc (09022015). Collection method: clinical testing. Allele origin: germline.
Comment: In summary, the available evidence is currently insufficient to determine the role of this variant in disease. Therefore, it has been classified as a Variant of Uncertain Significance. Algorithms developed to predict the effect of missense changes on protein structure and function output the following: SIFT: "Deleterious"; PolyPhen-2: "Not Available"; Align-GVGD: "Class C0". The phenylalanine amino acid residue is found in multiple mammalian species, which suggests that this missense change does not adversely affect protein function. ClinVar contains an entry for this variant (Variation ID: 1358265). This variant has not been reported in the literature in individuals affected with IL17RA-related conditions. This variant is present in population databases (rs539782982, gnomAD 0.06%). This sequence change replaces leucine, which is neutral and non-polar, with phenylalanine, which is neutral and non-polar, at codon 22 of the IL17RA protein (p.Leu22Phe).